The following is an entry in ClinVar:

NM_000238.4(KCNH2):c.793T>C (p.Cys265Arg)

Gene: KCNH2 (potassium voltage-gated channel subfamily H member 2; minus strand). Cytogenetic location: 7q36.1.
Variant type: single nucleotide variant.
Coding change: c.793T>C on transcript NM_000238.4 (MANE Select); coding-DNA position 793, T replaced by C.
Protein change: p.Cys265Arg; replaces cysteine 265 with arginine.
Molecular consequence: missense variant. On other transcripts: non-coding transcript variant (1).
Genome position (GRCh38, 1-based): chr7:150,958,182, A>G on the plus strand (T>C on the coding strand, the complement: KCNH2 is on the minus strand). VCF-style: chr7-150958182-A-G. GRCh37 (hg19) VCF-style: chr7-150655270-A-G.
Other names: c.505T>C, p.Cys169Arg (NM_001406753.1, NM_001406756.1); c.616T>C, p.Cys206Arg (NM_001406755.1); c.493T>C, p.Cys165Arg (NM_001406757.1); c.793T>C, p.Cys265Arg (NM_172056.3); short protein forms C169R, C206R, C165R, C265R.
Identifiers: ClinVar variation 4090318 (VCV004090318.1).

ClinVar aggregate classification (germline): Uncertain significance (1 of 4 stars; one submission).

Conditions:
Cardiovascular phenotype. Identifiers: MedGen CN230736.

Submission:

Ambry Genetics
Classification: Uncertain significance for Cardiovascular phenotype. Last evaluated: 2025-07-21. Review status: criteria provided, single submitter. Criteria: Ambry Variant Classification Scheme 2023. Collection method: clinical testing. Allele origin: germline.
Comment: The p.C265R variant (also known as c.793T>C), located in coding exon 4 of the KCNH2 gene, results from a T to C substitution at nucleotide position 793. The cysteine at codon 265 is replaced by arginine, an amino acid with highly dissimilar properties. This amino acid position is well conserved in available vertebrate species. In addition, the in silico prediction for this alteration is inconclusive. Based on the available evidence, the clinical significance of this variant remains unclear.